The following is an entry in ClinVar:

ClinVar aggregate classification (germline): Uncertain significance (1 of 4 stars; one submission).

Submission:

Labcorp Genetics (formerly Invitae), Labcorp
Classification: Uncertain significance. Last evaluated: 2022-06-24. Review status: criteria provided, single submitter. Criteria: Invitae Variant Classification Sherloc (09022015). Collection method: clinical testing. Allele origin: germline.
Comment: This sequence change replaces aspartic acid, which is acidic and polar, with glutamic acid, which is acidic and polar, at codon 1787 of the CDH23 protein (p.Asp1787Glu). This variant is not present in population databases (gnomAD no frequency). This variant has not been reported in the literature in individuals affected with CDH23-related conditions. Algorithms developed to predict the effect of missense changes on protein structure and function are either unavailable or do not agree on the potential impact of this missense change (SIFT: "Deleterious"; PolyPhen-2: "Not Available"; Align-GVGD: "Class C35"). In summary, the available evidence is currently insufficient to determine the role of this variant in disease. Therefore, it has been classified as a Variant of Uncertain Significance.

NM_022124.6(CDH23):c.5361C>G (p.Asp1787Glu)

Gene: CDH23 (cadherin related 23; plus strand). Cytogenetic location: 10q22.1.
Variant type: single nucleotide variant.
Coding change: c.5361C>G on transcript NM_022124.6 (MANE Select); coding-DNA position 5361, C replaced by G.
Protein change: p.Asp1787Glu; replaces aspartic acid 1787 with glutamic acid.
Molecular consequence: missense variant.
Genome position (GRCh38, 1-based): chr10:71,779,440, C>G. VCF-style: chr10-71779440-C-G. GRCh37 (hg19) VCF-style: chr10-73539197-C-G.
Other names: short protein forms D1787E.
Identifiers: ClinVar variation 2010278 (VCV002010278.4), dbSNP rs775893428, ClinGen allele CA377143226.